The following is an entry in ClinVar:

NM_001081.4(CUBN):c.961C>T (p.Pro321Ser)

Gene: CUBN (cubilin; minus strand). Cytogenetic location: 10p13.
Variant type: single nucleotide variant.
Coding change: c.961C>T on transcript NM_001081.4 (MANE Select); coding-DNA position 961, C replaced by T.
Protein change: p.Pro321Ser; replaces proline 321 with serine.
Molecular consequence: missense variant.
Genome position (GRCh38, 1-based): chr10:17,110,973, G>A on the plus strand (C>T on the coding strand, the complement: CUBN is on the minus strand). VCF-style: chr10-17110973-G-A. GRCh37 (hg19) VCF-style: chr10-17152972-G-A.
Other names: short protein forms P321S.
Identifiers: ClinVar variation 2143486 (VCV002143486.2), dbSNP rs143829410, ClinGen allele CA5425461.

ClinVar aggregate classification (germline): Uncertain significance. Review status: criteria provided, multiple submitters, no conflicts (2 of 4 stars). 2 submissions from 2 submitters: Uncertain significance (2). Last evaluated 2024-04-03.

Conditions:
Imerslund-Grasbeck syndrome. Also called: ENTEROCYTE COBALAMIN MALABSORPTION; ENTEROCYTE INTRINSIC FACTOR RECEPTOR, DEFECT OF; PERNICIOUS ANEMIA, JUVENILE, DUE TO SELECTIVE INTESTINAL MALABSORPTION OF VITAMIN B12, WITH PROTEINURIA; Imerslund-Gräsbeck syndrome; Megaloblastic anemia due to inborn errors of metabolism. Identifiers: Orphanet 35858, MedGen C4551825, MONDO:0009853.
Imerslund-Grasbeck syndrome type 1 (IGS1). Also called: Imerslund-Gräsbeck syndrome 1; Megaloblastic anemia 1, Finnish type; MEGALOBLASTIC ANEMIA, 1. Identifiers: MedGen C4016819, MONDO:0100156, OMIM 261100.
Proteinuria, chronic benign. Identifiers: MedGen C5394384, MONDO:0030042, OMIM 618884.

Allele frequency attached by ClinVar (database versions not stated): gnomAD 0.00030; TOPMed 0.00036; 1000 Genomes Project 0.00040; gnomAD exomes 0.00004; ExAC 0.00012; ESP Exome Variant Server 0.00038; 1000 Genomes Project 30x 0.00062.
gnomAD v4.1: 102 of 1,614,162 alleles (0.0063%); highest among the groups gnomAD compares: African/African-American, 0.13%; no homozygotes.

Submissions (2):

Fulgent Genetics
Classification: Uncertain significance for Imerslund-Grasbeck syndrome type 1; Proteinuria, chronic benign. Last evaluated: 2024-04-03. Review status: criteria provided, single submitter. Criteria: ACMG Guidelines, 2015. Collection method: clinical testing. Allele origin: germline.

Labcorp Genetics (formerly Invitae), Labcorp
Classification: Uncertain significance for Imerslund-Grasbeck syndrome. Last evaluated: 2022-08-10. Review status: criteria provided, single submitter. Criteria: Invitae Variant Classification Sherloc (09022015). Collection method: clinical testing. Allele origin: germline.
Comment: This sequence change replaces proline, which is neutral and non-polar, with serine, which is neutral and polar, at codon 321 of the CUBN protein (p.Pro321Ser). This variant is present in population databases (rs143829410, gnomAD 0.1%). This variant has not been reported in the literature in individuals affected with CUBN-related conditions. Algorithms developed to predict the effect of missense changes on protein structure and function (SIFT, PolyPhen-2, Align-GVGD) all suggest that this variant is likely to be tolerated. In summary, the available evidence is currently insufficient to determine the role of this variant in disease. Therefore, it has been classified as a Variant of Uncertain Significance.